The following is an entry in ClinVar:

ClinVar aggregate classification (germline): Uncertain significance (1 of 4 stars; one submission).

gnomAD v4.1: 65 of 1,572,402 alleles (0.0041%); highest among the groups gnomAD compares: Non-Finnish European, 0.0049%; no homozygotes.

Submission:

Ambry Genetics
Classification: Uncertain significance. Last evaluated: 2026-06-23. Review status: criteria provided, single submitter. Criteria: Ambry Variant Classification Scheme 2023. Collection method: clinical testing. Allele origin: germline.
Comment: The c.883C>A (p.Q295K) alteration is located in exon 2 (coding exon 2) of the SP5 gene. This alteration results from a C to A substitution at nucleotide position 883, causing the glutamine (Q) at amino acid position 295 to be replaced by a lysine (K). Based on data from gnomAD, the A allele has an overall frequency of <0.001% (1/182480) total alleles studied. The highest observed frequency was 0.001% (1/75728) of European (non-Finnish) alleles. Based on insufficient or conflicting evidence, the clinical significance of this alteration remains unclear.

NM_001003845.3(SP5):c.883C>A (p.Gln295Lys)

Genes: ERICH2-DT (ERICH2 divergent transcript; minus strand), SP5 (Sp5 transcription factor; plus strand). Cytogenetic location: 2q31.1.
Variant type: single nucleotide variant.
Coding change: c.883C>A on transcript NM_001003845.3 (MANE Select); coding-DNA position 883, C replaced by A.
Protein change: p.Gln295Lys; replaces glutamine 295 with lysine.
Molecular consequence: missense variant.
Genome position (GRCh38, 1-based): chr2:170,717,090, C>A. VCF-style: chr2-170717090-C-A. GRCh37 (hg19) VCF-style: chr2-171573600-C-A.
Other names: short protein forms Q295K.
Identifiers: ClinVar variation 5030058 (VCV005030058.1).